The following is an entry in ClinVar:

NM_000962.4(PTGS1):c.158G>A (p.Arg53His)

Gene: PTGS1 (prostaglandin-endoperoxide synthase 1; plus strand). Cytogenetic location: 9q33.2.
Variant type: single nucleotide variant.
Coding change: c.158G>A on transcript NM_000962.4 (MANE Select); coding-DNA position 158, G replaced by A.
Protein change: p.Arg53His; replaces arginine 53 with histidine.
Molecular consequence: missense variant. On other transcripts: 5 prime UTR variant (3).
Genome position (GRCh38, 1-based): chr9:122,377,962, G>A. VCF-style: chr9-122377962-G-A. GRCh37 (hg19) VCF-style: chr9-125140241-G-A.
Other names: p.Arg53His; c.158G>A, p.Arg53His (NM_001271164.2, NM_080591.3); c.-170G>A (NM_001271165.2, NM_001271166.2, NM_001271367.2); c.83G>A, p.Arg28His (NM_001271368.2); short protein forms R28H, R53H.
Identifiers: ClinVar variation 4541468 (VCV004541468.1).

ClinVar aggregate classification (germline): Uncertain significance (1 of 4 stars; one submission).

gnomAD v4.1: 313 of 1,613,960 alleles (0.019%); highest among the groups gnomAD compares: African/African-American, 0.3%; no homozygotes.

Submission:

Mayo Clinic Laboratories, Mayo Clinic
Classification: Uncertain significance. Last evaluated: 2025-04-04. Review status: criteria provided, single submitter. Criteria: ACMG Guidelines, 2015. Collection method: clinical testing. Allele origin: germline. Observed: 1 variant allele.
Comment: BP4_moderate, PS3_moderate

Literature cited by the submitters: PubMed 12402351; PubMed 17301694; PubMed 20214591; PubMed 22513397.